The following is an entry in ClinVar:

NM_024740.2(ALG9):c.681G>A (p.Trp227Ter)

Gene: ALG9 (ALG9 alpha-1,2-mannosyltransferase; minus strand). Cytogenetic location: 11q23.1.
Variant type: single nucleotide variant.
Coding change: c.681G>A on transcript NM_024740.2 (MANE Select); coding-DNA position 681, G replaced by A.
Protein change: p.Trp227Ter; replaces tryptophan 227 with a stop codon.
Molecular consequence: nonsense. On other transcripts: non-coding transcript variant (1).
Genome position (GRCh38, 1-based): chr11:111,857,622, C>T on the plus strand (G>A on the coding strand, the complement: ALG9 is on the minus strand). VCF-style: chr11-111857622-C-T. GRCh37 (hg19) VCF-style: chr11-111728345-C-T.
Other names: c.681G>A, p.Trp227Ter (NM_001077690.1, NM_001352417.1, NM_001352418.1); c.168G>A, p.Trp56Ter (NM_001352416.1, NM_001352419.1, NM_001352420.2 and 11 more transcripts); c.93G>A, p.Trp31Ter (NM_001352422.2); short protein forms W227*, W31*, W56*.
Identifiers: ClinVar variation 631494 (VCV000631494.2), dbSNP rs1592341222, ClinGen allele CA382607088.

ClinVar aggregate classification (germline): Pathogenic (0 of 4 stars; one submission).

Conditions:
Polycystic kidney disease, adult type (PKD1). Also called: Polycystic Kidney Disease 1, Autosomal Dominant; Polycystic kidney disease 1; Polycystic kidney disease 1, severe; Polycystic Kidney, Autosomal Dominant; POLYCYSTIC KIDNEY DISEASE, ADULT, TYPE I; POLYCYSTIC KIDNEY DISEASE 1 WITH OR WITHOUT POLYCYSTIC LIVER DISEASE. Identifiers: MedGen C3149841, MONDO:0008263, OMIM 173900.

Submission:

Stefan Somlo Laboratory, Yale School of Medicine
Classification: Pathogenic for Polycystic kidney disease, adult type. Last evaluated: 2019-05-20. Review status: no assertion criteria provided. Collection method: research. Allele origin: unknown. Inheritance: Autosomal dominant inheritance. Affected: yes. Observed: 1 heterozygote.
Comment: ALG9 p.W227X is a novel loss of function variant in a gene implicated as a novel disease genes for the PCLD to ADPKD-NMD spectrum of dominantly inherited polycystic kidney and liver disease. Cysts form in these diseases following somatic second hit mutations to the single normal allele resulting in focal recessive loss. Protein truncation in this exon was modeled by mouse cell line with deletion in equivalent exon (Besse et al. 2019)

Literature cited by the submitters: PubMed 31395617.